The following is an entry in ClinVar:

NM_015466.4(PTPN23):c.84+2T>A

Genes: PTPN23 (protein tyrosine phosphatase non-receptor type 23; plus strand), PTPN23-DT (PTPN23 divergent transcript; minus strand). Cytogenetic location: 3p21.31.
Variant type: single nucleotide variant.
Coding change: c.84+2T>A on transcript NM_015466.4 (MANE Select); the canonical splice donor site of the intron after coding-DNA position 84, T replaced by A.
Molecular consequence: splice donor variant.
Genome position (GRCh38, 1-based): chr3:47,381,182, T>A. VCF-style: chr3-47381182-T-A. GRCh37 (hg19) VCF-style: chr3-47422672-T-A.
Other names: c.-167+2T>A (NM_001304482.2).
Identifiers: ClinVar variation 2049032 (VCV002049032.4), dbSNP rs1704527989, ClinGen allele CA352532853.

ClinVar aggregate classification (germline): Likely pathogenic (1 of 4 stars; one submission).

Allele frequency attached by ClinVar (database versions not stated): TOPMed below 0.00001.

Submission:

Labcorp Genetics (formerly Invitae), Labcorp
Classification: Likely pathogenic. Last evaluated: 2023-07-07. Review status: criteria provided, single submitter. Criteria: Invitae Variant Classification Sherloc (09022015). Collection method: clinical testing. Allele origin: germline.
Comment: In summary, the currently available evidence indicates that the variant is pathogenic, but additional data are needed to prove that conclusively. Therefore, this variant has been classified as Likely Pathogenic. Algorithms developed to predict the effect of sequence changes on RNA splicing suggest that this variant may disrupt the consensus splice site. ClinVar contains an entry for this variant (Variation ID: 2049032). This variant has not been reported in the literature in individuals affected with PTPN23-related conditions. This variant is not present in population databases (gnomAD no frequency). This sequence change affects a donor splice site in intron 1 of the PTPN23 gene. It is expected to disrupt RNA splicing. Variants that disrupt the donor or acceptor splice site typically lead to a loss of protein function (PMID: 16199547), and loss-of-function variants in PTPN23 are known to be pathogenic (PMID: 29090338, 29899372).

Literature cited by the submitters: PubMed 16199547; PubMed 29090338; PubMed 29899372.